The following is an entry in ClinVar:

NM_153240.5(NPHP3):c.2770G>A (p.Asp924Asn)

Genes: NPHP3-ACAD11 (NPHP3-ACAD11 readthrough (NMD candidate); minus strand), NPHP3 (nephrocystin 3; minus strand). Cytogenetic location: 3q22.1.
Variant type: single nucleotide variant.
Coding change: c.2770G>A on transcript NM_153240.5 (MANE Select); coding-DNA position 2770, G replaced by A.
Protein change: p.Asp924Asn; replaces aspartic acid 924 with asparagine.
Molecular consequence: missense variant. On other transcripts: non-coding transcript variant (1).
Genome position (GRCh38, 1-based): chr3:132,689,187, C>T on the plus strand (G>A on the coding strand, the complement: NPHP3 is on the minus strand). VCF-style: chr3-132689187-C-T. GRCh37 (hg19) VCF-style: chr3-132408031-C-T.
Other names: short protein forms D924N.
Identifiers: ClinVar variation 836036 (VCV000836036.6), dbSNP rs141073933, ClinGen allele CA2621931.

ClinVar aggregate classification (germline): Uncertain significance. Review status: criteria provided, multiple submitters, no conflicts (2 of 4 stars). 3 submissions from 3 submitters: Uncertain significance (3). Last evaluated 2022-07-25.

Conditions:
Nephronophthisis. Also called: Juvenile Nephronophthisis. Identifiers: Orphanet 655, MedGen C0687120, MONDO:0019005, HP:0000090.
Renal-hepatic-pancreatic dysplasia 1 (RHPD1). Identifiers: MedGen C3715199, MONDO:0008833, OMIM 208540.
Nephronophthisis 3 (NPHP3). Also called: Adolescent nephronophthisis. Identifiers: Orphanet 655, MedGen C1858392, MONDO:0011456, OMIM 604387.
NPHP3-related Meckel-like syndrome. Also called: Meckel syndrome type 7; GOLDSTON SYNDROME. Identifiers: Orphanet 3032, MedGen C2673885, MONDO:0009966, OMIM 267010.
Inborn genetic diseases. Identifiers: MedGen C0950123, MeSH D030342.

Allele frequency attached by ClinVar (database versions not stated): gnomAD 0.00004 and 0.00005; ExAC 0.00005; TOPMed 0.00008; gnomAD exomes 0.00010; ESP Exome Variant Server 0.00031.
gnomAD v4.1: 215 of 1,613,968 alleles (0.013%); highest among the groups gnomAD compares: Non-Finnish European, 0.017%; no homozygotes.

Submissions (3):

Labcorp Genetics (formerly Invitae), Labcorp
Classification: Uncertain significance for Nephronophthisis. Last evaluated: 2022-07-25. Review status: criteria provided, single submitter. Criteria: Invitae Variant Classification Sherloc (09022015). Collection method: clinical testing. Allele origin: germline.
Comment: This sequence change replaces aspartic acid, which is acidic and polar, with asparagine, which is neutral and polar, at codon 924 of the NPHP3 protein (p.Asp924Asn). This variant is present in population databases (rs141073933, gnomAD 0.02%). This variant has not been reported in the literature in individuals affected with NPHP3-related conditions. ClinVar contains an entry for this variant (Variation ID: 836036). Algorithms developed to predict the effect of missense changes on protein structure and function are either unavailable or do not agree on the potential impact of this missense change (SIFT: "Deleterious"; PolyPhen-2: "Benign"; Align-GVGD: "Class C0"). In summary, the available evidence is currently insufficient to determine the role of this variant in disease. Therefore, it has been classified as a Variant of Uncertain Significance.

Fulgent Genetics
Classification: Uncertain significance for Renal-hepatic-pancreatic dysplasia 1; NPHP3-related Meckel-like syndrome; Nephronophthisis 3. Last evaluated: 2022-04-19. Review status: criteria provided, single submitter. Criteria: ACMG Guidelines, 2015. Collection method: clinical testing. Allele origin: unknown.

Ambry Genetics
Classification: Uncertain significance for Inborn genetic diseases. Last evaluated: 2021-08-04. Review status: criteria provided, single submitter. Criteria: Ambry Variant Classification Scheme 2023. Collection method: clinical testing. Allele origin: germline.